The following is an entry in ClinVar:

NM_153460.4(IL17RC):c.1144T>C (p.Cys382Arg)

Gene: IL17RC (interleukin 17 receptor C; plus strand). Cytogenetic location: 3p25.3.
Variant type: single nucleotide variant.
Coding change: c.1144T>C on transcript NM_153460.4 (MANE Select); coding-DNA position 1144, T replaced by C.
Protein change: p.Cys382Arg; replaces cysteine 382 with arginine.
Molecular consequence: missense variant. On other transcripts: non-coding transcript variant (1).
Genome position (GRCh38, 1-based): chr3:9,929,885, T>C. VCF-style: chr3-9929885-T-C. GRCh37 (hg19) VCF-style: chr3-9971569-T-C.
Other names: c.1144T>C, p.Cys382Arg (NM_001203263.2); c.1093T>C, p.Cys365Arg (NM_001203264.2); c.1048T>C, p.Cys350Arg (NM_001203265.2, NM_001410711.1); c.1105T>C, p.Cys369Arg (NM_001367278.1); c.1024T>C, p.Cys342Arg (NM_001367279.1); c.1099T>C, p.Cys367Arg (NM_001367280.1, NM_032732.6); c.1357T>C, p.Cys453Arg (NM_153461.4); short protein forms C453R, C369R, C342R, C365R, C350R, C367R, C382R.
Identifiers: ClinVar variation 2705662 (VCV002705662.3), dbSNP rs2470346569, ClinGen allele CA351698012.
Genomic context (GRCh38, chr3:9,929,885, plus strand): 5'-GCCCTAACCATGGTCTCTTCCCAGCAGGTGAACAGCTCGGAGAAGCTGCAGCTGCAGGAG[T>C]GCTTGTGGGCTGGTGAGTTGGGCCTGGGGGCAGCTGGGGCAGGGCCACCTCCTAGGGGTG-3'
Protein context (NP_703190.2, residues 372-392): NSSEKLQLQE[Cys382Arg]LWADSLGPLK

ClinVar aggregate classification (germline): Uncertain significance (1 of 4 stars; one submission).

Conditions:
Candidiasis, familial, 9 (CANDF9). Identifiers: Orphanet 1334, MedGen C4225324, MONDO:0014642, OMIM 616445.

Submission:

Labcorp Genetics (formerly Invitae), Labcorp
Classification: Uncertain significance for Candidiasis, familial, 9. Last evaluated: 2023-12-26. Review status: criteria provided, single submitter. Criteria: Invitae Variant Classification Sherloc (09022015). Collection method: clinical testing. Allele origin: germline.
Comment: This sequence change replaces cysteine, which is neutral and slightly polar, with arginine, which is basic and polar, at codon 453 of the IL17RC protein (p.Cys453Arg). This variant is not present in population databases (gnomAD no frequency). This variant has not been reported in the literature in individuals affected with IL17RC-related conditions. An algorithm developed to predict the effect of missense changes on protein structure and function (PolyPhen-2) suggests that this variant is likely to be disruptive. In summary, the available evidence is currently insufficient to determine the role of this variant in disease. Therefore, it has been classified as a Variant of Uncertain Significance.